The following is an entry in ClinVar:

NM_000628.5(IL10RB):c.116A>G (p.Gln39Arg)

Genes: IL10RB (interleukin 10 receptor subunit beta; plus strand), IFNAR2-IL10RB (IFNAR2-IL10RB readthrough; plus strand). Cytogenetic location: 21q22.11.
Variant type: single nucleotide variant.
Coding change: c.116A>G on transcript NM_000628.5 (MANE Select); coding-DNA position 116, A replaced by G.
Protein change: p.Gln39Arg; replaces glutamine 39 with arginine.
Molecular consequence: missense variant. On other transcripts: non-coding transcript variant (1).
Genome position (GRCh38, 1-based): chr21:33,268,460, A>G. VCF-style: chr21-33268460-A-G. GRCh37 (hg19) VCF-style: chr21-34640765-A-G.
Other names: c.776A>G, p.Gln259Arg (NM_001414505.1); c.116A>G, p.Gln39Arg (NM_001405849.1, NM_001405850.1, NM_001406840.1); short protein forms Q39R, Q259R.
Identifiers: ClinVar variation 2069918 (VCV002069918.4), dbSNP rs2516780691, ClinGen allele CA410107208.
Genomic context (GRCh38, chr21:33,268,460, plus strand): 5'-GAATGGTACCACCTCCCGAAAATGTCAGAATGAATTCTGTTAATTTCAAGAACATTCTAC[A>G]GTGGGAGTCACCTGCTTTTGCCAAAGGGAACCTGACTTTCACAGCTCAGTACCTAAGGTG-3'
Protein context (NP_000619.3, residues 29-49): MNSVNFKNIL[Gln39Arg]WESPAFAKGN

ClinVar aggregate classification (germline): Uncertain significance (1 of 4 stars; one submission).

Conditions:
Inflammatory bowel disease 25. Also called: Inflammatory bowel disease 25, early onset, autosomal recessive. Identifiers: Orphanet 238569, MedGen C2675508, MONDO:0012941, OMIM 612567.

Submission:

Labcorp Genetics (formerly Invitae), Labcorp
Classification: Uncertain significance for Inflammatory bowel disease 25. Last evaluated: 2022-01-02. Review status: criteria provided, single submitter. Criteria: Invitae Variant Classification Sherloc (09022015). Collection method: clinical testing. Allele origin: germline.
Comment: This sequence change replaces glutamine, which is neutral and polar, with arginine, which is basic and polar, at codon 39 of the IL10RB protein (p.Gln39Arg). This variant has not been reported in the literature in individuals affected with IL10RB-related conditions. This variant is not present in population databases (gnomAD no frequency). In summary, the available evidence is currently insufficient to determine the role of this variant in disease. Therefore, it has been classified as a Variant of Uncertain Significance. Algorithms developed to predict the effect of missense changes on protein structure and function (SIFT, PolyPhen-2, Align-GVGD) all suggest that this variant is likely to be tolerated.